The following is an entry in ClinVar:

NM_000321.3(RB1):c.380+4A>C

Gene: RB1 (RB transcriptional corepressor 1; plus strand). Cytogenetic location: 13q14.2.
Variant type: single nucleotide variant.
Coding change: c.380+4A>C on transcript NM_000321.3 (MANE Select); 4 bases into the intron after coding-DNA position 380, A replaced by C.
Molecular consequence: intron variant.
Genome position (GRCh38, 1-based): chr13:48,342,718, A>C. VCF-style: chr13-48342718-A-C. GRCh37 (hg19) VCF-style: chr13-48916854-A-C.
Identifiers: ClinVar variation 2014546 (VCV002014546.4), dbSNP rs2542156335, ClinGen allele CA2580088087.

ClinVar aggregate classification (germline): Uncertain significance (1 of 4 stars; one submission).

Conditions:
Retinoblastoma (RB1). Also called: RETINOBLASTOMA, SOMATIC. Identifiers: Orphanet 790, MedGen C0035335, MeSH D012175, MONDO:0008380, OMIM 180200, HP:0009919. Disease mechanism: loss of function. Inheritance: Both sporadic and heritable forms are tested..

Allele frequency attached by ClinVar (database versions not stated): gnomAD exomes below 0.00001.
gnomAD v4.1: 1 of 1,567,566 alleles (0.000064%); highest among the groups gnomAD compares: South Asian, 0.0011%; no homozygotes.

Submission:

Labcorp Genetics (formerly Invitae), Labcorp
Classification: Uncertain significance for Retinoblastoma. Last evaluated: 2022-07-06. Review status: criteria provided, single submitter. Criteria: Invitae Variant Classification Sherloc (09022015). Collection method: clinical testing. Allele origin: germline.
Comment: In summary, the available evidence is currently insufficient to determine the role of this variant in disease. Therefore, it has been classified as a Variant of Uncertain Significance. Variants that disrupt the consensus splice site are a relatively common cause of aberrant splicing (PMID: 17576681, 9536098). Algorithms developed to predict the effect of sequence changes on RNA splicing suggest that this variant is not likely to affect RNA splicing. This variant has not been reported in the literature in individuals affected with RB1-related conditions. This variant is not present in population databases (gnomAD no frequency). This sequence change falls in intron 3 of the RB1 gene. It does not directly change the encoded amino acid sequence of the RB1 protein. It affects a nucleotide within the consensus splice site.

Literature cited by the submitters: PubMed 17576681; PubMed 9536098.